The following is an entry in ClinVar:

ClinVar aggregate classification (germline): Uncertain significance (1 of 4 stars; one submission).

Conditions:
Hereditary pancreatitis (PCTT). Also called: Hereditary chronic pancreatitis; PRSS1-Related Hereditary Pancreatitis. Identifiers: Orphanet 676, MedGen C0238339, MONDO:0008185, OMIM 167800.

Submission:

Ambry Genetics
Classification: Uncertain significance for Hereditary pancreatitis. Last evaluated: 2024-04-29. Review status: criteria provided, single submitter. Criteria: Ambry Variant Classification Scheme 2023. Collection method: clinical testing. Allele origin: germline.
Comment: The p.R2P variant (also known as c.5G>C), located in coding exon 1 of the CPA1 gene, results from a G to C substitution at nucleotide position 5. The arginine at codon 2 is replaced by proline, an amino acid with dissimilar properties. This amino acid position is conserved. In addition, this alteration is predicted to be tolerated by in silico analysis. Based on the available evidence, the clinical significance of this variant remains unclear.

NM_001868.4(CPA1):c.5G>C (p.Arg2Pro)

Gene: CPA1 (carboxypeptidase A1; plus strand). Cytogenetic location: 7q32.2.
Variant type: single nucleotide variant.
Coding change: c.5G>C on transcript NM_001868.4 (MANE Select); coding-DNA position 5, G replaced by C.
Protein change: p.Arg2Pro; replaces arginine 2 with proline.
Molecular consequence: missense variant.
Genome position (GRCh38, 1-based): chr7:130,380,525, G>C. VCF-style: chr7-130380525-G-C. GRCh37 (hg19) VCF-style: chr7-130020366-G-C.
Other names: short protein forms R2P.
Identifiers: ClinVar variation 3269074 (VCV003269074.1).